The following is an entry in ClinVar:

NM_000138.5(FBN1):c.2262T>G (p.Tyr754Ter)

Gene: FBN1 (fibrillin 1; minus strand). Cytogenetic location: 15q21.1.
Variant type: single nucleotide variant.
Coding change: c.2262T>G on transcript NM_000138.5 (MANE Select); coding-DNA position 2262, T replaced by G.
Protein change: p.Tyr754Ter; replaces tyrosine 754 with a stop codon.
Molecular consequence: nonsense.
Genome position (GRCh38, 1-based): chr15:48,497,297, A>C on the plus strand (T>G on the coding strand, the complement: FBN1 is on the minus strand). VCF-style: chr15-48497297-A-C. GRCh37 (hg19) VCF-style: chr15-48789494-A-C.
Other names: c.2262T>G, p.Tyr754Ter (NM_001406716.1); short protein forms Y754*.
Identifiers: ClinVar variation 3026946 (VCV003026946.22), dbSNP rs2505576106, ClinGen allele CA392335645.

ClinVar aggregate classification (germline): Pathogenic (1 of 4 stars; one submission).

Submission:

CeGaT Center for Human Genetics Tuebingen
Classification: Pathogenic. Last evaluated: 2024-01-01. Review status: criteria provided, single submitter. Criteria: CeGaT Center For Human Genetics Tuebingen Variant Classification Criteria Version 2. Collection method: clinical testing. Allele origin: germline. Affected: yes. Observed: 1 variant allele.
Comment: FBN1: PVS1, PM2, PP4